The following is an entry in ClinVar:

ClinVar aggregate classification (germline): Uncertain significance (1 of 4 stars; one submission).

Submission:

Labcorp Genetics (formerly Invitae), Labcorp
Classification: Uncertain significance. Last evaluated: 2025-12-14. Review status: criteria provided, single submitter. Criteria: Invitae Variant Classification Sherloc (09022015). Collection method: clinical testing. Allele origin: germline.
Comment: This sequence change replaces arginine, which is basic and polar, with tryptophan, which is neutral and slightly polar, at codon 403 of the TRPV6 protein (p.Arg403Trp). This variant is present in population databases (rs760380757, gnomAD 0.02%). This missense change has been observed in individual(s) with chronic pancreatitis (PMID: 34923708). ClinVar contains an entry for this variant (Variation ID: 3713465). Algorithms developed to predict the effect of variants on gene product structure and function are not available or were not evaluated for this variant. Experimental studies have shown that this missense change affects TRPV6 function (PMID: 34923708). In summary, the available evidence is currently insufficient to determine the role of this variant in disease. Therefore, it has been classified as a Variant of Uncertain Significance.

Literature cited by the submitters: PubMed 34923708.

NM_018646.6(TRPV6):c.1207C>T (p.Arg403Trp)

Gene: TRPV6 (transient receptor potential cation channel subfamily V member 6; minus strand). Cytogenetic location: 7q34.
Variant type: single nucleotide variant.
Coding change: c.1207C>T on transcript NM_018646.6 (MANE Select); coding-DNA position 1207, C replaced by T.
Protein change: p.Arg403Trp; replaces arginine 403 with tryptophan.
Molecular consequence: missense variant.
Genome position (GRCh38, 1-based): chr7:142,875,503, G>A on the plus strand (C>T on the coding strand, the complement: TRPV6 is on the minus strand). VCF-style: chr7-142875503-G-A. GRCh37 (hg19) VCF-style: chr7-142573256-G-A.
Other names: short protein forms R403W.
Identifiers: ClinVar variation 3713465 (VCV003713465.2).